The following is an entry in ClinVar:

NM_000138.5(FBN1):c.5545+1572G>T

Gene: FBN1 (fibrillin 1; minus strand). Cytogenetic location: 15q21.1.
Variant type: single nucleotide variant.
Coding change: c.5545+1572G>T on transcript NM_000138.5 (MANE Select); 1572 bases into the intron after coding-DNA position 5545, G replaced by T.
Molecular consequence: intron variant.
Genome position (GRCh38, 1-based): chr15:48,450,990, C>A on the plus strand (G>T on the coding strand, the complement: FBN1 is on the minus strand). VCF-style: chr15-48450990-C-A. GRCh37 (hg19) VCF-style: chr15-48743187-C-A.
Other names: c.5545+1572G>T (NM_001406716.1).
Identifiers: ClinVar variation 4876710 (VCV004876710.1).

ClinVar aggregate classification (germline): Pathogenic (1 of 4 stars; one submission).

Conditions:
Marfan syndrome (MFS). Also called: FBN1-Related Marfan Syndrome; MARFAN SYNDROME, TYPE I; Marfan syndrome type 1; Marfan's syndrome; Marfan syndrome, classic. Identifiers: Orphanet 284963, Orphanet 558, MedGen C0024796, MONDO:0007947, OMIM 154700.

Submission:

Laboratory of Functional Genomics, Research Centre for Medical Genetics
Classification: Pathogenic for Marfan syndrome. Last evaluated: 2026-06-15. Review status: criteria provided, single submitter. Criteria: ACMG Guidelines, 2015. Collection method: curation. Allele origin: germline. Inheritance: Autosomal dominant inheritance. Affected: yes. Observed: 1 variant allele, 1 heterozygote.
Comment: SpliceAI predicts activation of a cryptic donor splice site (DG = 0.75; AG = 0.72), resulting in a 105 bp pseudoexon. Targeted RNA sequencing on patient fibroblasts revealed inclusion of a 105 bp pseudoexon, introducing a premature termination codon (p.(Asp1849GlufsTer6)). As expected for a transcript containing a premature termination codon, this allele is subject to nonsense‑mediated decay, which was confirmed by increased expression of the variant allele following cycloheximide treatment.